The following is an entry in ClinVar:

ClinVar aggregate classification (germline): Uncertain significance (1 of 4 stars; one submission).

Conditions:
Inborn genetic diseases. Identifiers: MedGen C0950123, MeSH D030342.

gnomAD v4.1: 2 of 1,614,138 alleles (0.00012%); highest among the groups gnomAD compares: South Asian, 0.0011%; no homozygotes.

Submission:

Ambry Genetics
Classification: Uncertain significance for Inborn genetic diseases. Last evaluated: 2024-11-26. Review status: criteria provided, single submitter. Criteria: Ambry Variant Classification Scheme 2023. Collection method: clinical testing. Allele origin: germline.
Comment: The p.L891V variant (also known as c.2671C>G), located in coding exon 28 of the FANCA gene, results from a C to G substitution at nucleotide position 2671. The leucine at codon 891 is replaced by valine, an amino acid with highly similar properties. This amino acid position is conserved. In addition, this alteration is predicted to be tolerated by in silico analysis. Based on the available evidence, the clinical significance of this variant remains unclear.

NM_000135.4(FANCA):c.2671C>G (p.Leu891Val)

Genes: FANCA (FA complementation group A; minus strand), LOC130059837 (ATAC-STARR-seq lymphoblastoid active region 11420; plus strand). Cytogenetic location: 16q24.3.
Variant type: single nucleotide variant.
Coding change: c.2671C>G on transcript NM_000135.4 (MANE Select); coding-DNA position 2671, C replaced by G.
Protein change: p.Leu891Val; replaces leucine 891 with valine.
Molecular consequence: missense variant.
Genome position (GRCh38, 1-based): chr16:89,764,997, G>C on the plus strand (C>G on the coding strand, the complement: FANCA is on the minus strand). VCF-style: chr16-89764997-G-C. GRCh37 (hg19) VCF-style: chr16-89831405-G-C.
Other names: c.2671C>G, p.Leu891Val (NM_001286167.3); short protein forms L891V.
Identifiers: ClinVar variation 3512681 (VCV003512681.1).